The following is an entry in ClinVar:

NM_012330.4(KAT6B):c.3987_3988del (p.Ala1331fs)

Gene: KAT6B (lysine acetyltransferase 6B; plus strand). Cytogenetic location: 10q22.2.
Variant type: Deletion.
Coding change: c.3987_3988del on transcript NM_012330.4 (MANE Select); coding-DNA positions 3987 to 3988, 2 bases deleted (AT; older notation c.3987_3988delAT).
Protein change: p.Ala1331fs; shifts the reading frame from alanine 1331.
Molecular consequence: frameshift variant.
Genome position (GRCh38, 1-based): chr10:75,028,811-75,028,812, AT deleted. VCF-style (leftmost placement, unchanged base first): chr10-75028810-CAT-C. GRCh37 (hg19) VCF-style: chr10-76788568-CAT-C.
Other names: c.3438_3439del, p.Ala1148fs (NM_001256468.2, NM_001370138.1); c.3111_3112del, p.Ala1039fs (NM_001256469.2, NM_001370139.1, NM_001370140.1 and 2 more transcripts); c.2949_2950del, p.Ala985fs (NM_001370132.1); c.2298_2299del, p.Ala768fs (NM_001370133.1); c.1902_1903del, p.Ala636fs (NM_001370134.1); c.1644_1645del, p.Ala550fs (NM_001370135.1); c.3987_3988del, p.Ala1331fs (NM_001370136.1, NM_001370137.1); c.2922_2923del, p.Ala976fs (NM_001370143.1, NM_001370144.1); short protein forms A1039fs, A1148fs, A1331fs, A550fs, A636fs, A768fs, A976fs, A985fs.
Identifiers: ClinVar variation 1070400 (VCV001070400.9), dbSNP rs2134235713, ClinGen allele CA2499220382.

ClinVar aggregate classification (germline): Pathogenic (1 of 4 stars; one submission).

Conditions:
Genitopatellar syndrome (GTPTS). Also called: Genitopatellar syndrome (GPS); ABSENT PATELLAE, SCROTAL HYPOPLASIA, RENAL ANOMALIES, FACIAL DYSMORPHISM, AND MENTAL RETARDATION. Identifiers: Orphanet 85201, MedGen C1853566, MONDO:0011640, OMIM 606170.

Submission:

Labcorp Genetics (formerly Invitae), Labcorp
Classification: Pathogenic for Genitopatellar syndrome. Last evaluated: 2020-04-26. Review status: criteria provided, single submitter. Criteria: Invitae Variant Classification Sherloc (09022015). Collection method: clinical testing. Allele origin: germline.
Comment: For these reasons, this variant has been classified as Pathogenic. This variant disrupts the C-terminus of the KAT6B protein. Other variant(s) that disrupt this region (p.Ser1402Cysfs*5) have been determined to be pathogenic (PMID: 22077973, 25424711, 28696035). This suggests that variants that disrupt this region of the protein are likely to be causative of disease. This variant has not been reported in the literature in individuals with KAT6B-related conditions. This variant is not present in population databases (ExAC no frequency). This sequence change results in a premature translational stop signal in the KAT6B gene (p.Ala1331Profs*10). While this is not anticipated to result in nonsense mediated decay, it is expected to disrupt the last 743 amino acids of the KAT6B protein.

Literature cited by the submitters: PubMed 22077973; PubMed 25424711; PubMed 28696035.